The following is an entry in ClinVar:

ClinVar aggregate classification (germline): Pathogenic (1 of 4 stars; one submission).

Conditions:
Autosomal recessive nonsyndromic hearing loss 77. Identifiers: Orphanet 90636, MedGen C2746083, MONDO:0013119, OMIM 613079.

Submission:

Myriad Genetics, Inc.
Classification: Pathogenic for Autosomal recessive nonsyndromic hearing loss 77. Last evaluated: 2024-05-14. Review status: criteria provided, single submitter. Criteria: Myriad Autosomal Dominant, Autosomal Recessive and X-Linked Classification Criteria (2023). Collection method: clinical testing. Allele origin: unknown.
Comment: NM_144612.6(LOXHD1):c.5694_5697del4ins12(F1900Rfs*9) is expected to be pathogenic in the context of nonsyndromic hearing loss, LOXHD1-related. This variant is predicted to lead to an abnormal or absent protein product due to the creation of a premature termination codon in LOXHD1, a gene where loss-of-function variants are known to be pathogenic. Please note: this variant was assessed in the context of healthy population screening.

NM_001384474.1(LOXHD1):c.5880_5883delinsTATAAGAGACAG (p.Phe1962fs)

Gene: LOXHD1 (lipoxygenase homology PLAT domains 1; minus strand). Cytogenetic location: 18q21.1.
Variant type: Indel.
Coding change: c.5880_5883delinsTATAAGAGACAG on transcript NM_001384474.1 (MANE Select); coding-DNA positions 5880 to 5883, GATA replaced by TATAAGAGACAG.
Protein change: p.Phe1962fs; shifts the reading frame from phenylalanine 1962.
Molecular consequence: frameshift variant.
Genome position (GRCh38, 1-based): chr18:46,489,138-46,489,141, TATC replaced by CTGTCTCTTATA on the plus strand (GATA replaced by TATAAGAGACAG on the coding strand, the reverse complement: LOXHD1 is on the minus strand). VCF-style: chr18-46489138-TATC-CTGTCTCTTATA. GRCh37 (hg19) VCF-style: chr18-44069101-TATC-CTGTCTCTTATA.
Other names: c.2547_2550delinsTATAAGAGACAG, p.Phe851fs (NM_001145472.3); c.597_600delinsTATAAGAGACAG, p.Phe201fs (NM_001145473.3, NM_001173129.2); c.2259_2262delinsTATAAGAGACAG, p.Phe755fs (NM_001308013.2); c.5694_5697delinsTATAAGAGACAG, p.Phe1900fs (NM_144612.7); short protein forms F1900fs, F1962fs, F201fs, F755fs, F851fs.
Identifiers: ClinVar variation 5011039 (VCV005011039.1).